The following is an entry in ClinVar:

NM_006302.3(MOGS):c.1581C>A (p.Asp527Glu)

Gene: MOGS (mannosyl-oligosaccharide glucosidase; minus strand). Cytogenetic location: 2p13.1.
Variant type: single nucleotide variant.
Coding change: c.1581C>A on transcript NM_006302.3 (MANE Select); coding-DNA position 1581, C replaced by A.
Protein change: p.Asp527Glu; replaces aspartic acid 527 with glutamic acid.
Molecular consequence: missense variant.
Genome position (GRCh38, 1-based): chr2:74,462,208, G>T on the plus strand (C>A on the coding strand, the complement: MOGS is on the minus strand). VCF-style: chr2-74462208-G-T. GRCh37 (hg19) VCF-style: chr2-74689335-G-T.
Other names: c.1263C>A, p.Asp421Glu (NM_001146158.2); c.1581C>A, p.Asp527Glu (LRG_1226t1); short protein forms D527E, D421E.
Identifiers: ClinVar variation 465838 (VCV000465838.32), dbSNP rs200508287, ClinGen allele CA1724759.

ClinVar aggregate classification (germline): Likely benign. Review status: criteria provided, multiple submitters, no conflicts (2 of 4 stars). 7 submissions from 7 submitters: Likely benign (6). 1 of the submissions does not count toward it. Last evaluated 2026-02-03.

Conditions:
MOGS-congenital disorder of glycosylation. Also called: MOGS-CDG; CDG 2B; CDG IIb; GLUCOSIDASE I DEFICIENCY. Identifiers: Orphanet 79330, MedGen C1853736, MONDO:0011629, OMIM 606056.
MOGS-related disorder. Also called: MOGS-related condition.

Allele frequency attached by ClinVar (database versions not stated): 1000 Genomes Project 30x 0.00016; 1000 Genomes Project 0.00020; gnomAD 0.00127 and 0.00140; TOPMed 0.00150; ESP Exome Variant Server 0.00178; gnomAD exomes 0.00203; ExAC 0.00207.
gnomAD v4.1: 3,066 of 1,614,164 alleles (0.19%); highest among the groups gnomAD compares: Admixed American, 0.21%; 11 homozygotes.

Submissions (7):

Labcorp Genetics (formerly Invitae), Labcorp
Classification: Likely benign for MOGS-congenital disorder of glycosylation. Last evaluated: 2026-02-03. Review status: criteria provided, single submitter. Criteria: Invitae Variant Classification Sherloc (09022015). Collection method: clinical testing. Allele origin: germline.

CeGaT Center for Human Genetics Tuebingen
Classification: Likely benign. Last evaluated: 2025-10-01. Review status: criteria provided, single submitter. Criteria: CeGaT Center For Human Genetics Tuebingen Variant Classification Criteria Version 2. Collection method: clinical testing. Allele origin: germline. Affected: yes. Observed: 1 variant allele.
Comment: MOGS: BP4, BS2

Blueprint Genetics
Classification: Likely benign. Last evaluated: 2024-11-06. Review status: criteria provided, single submitter. Criteria: ACMG Guidelines, 2015. Collection method: clinical testing. Allele origin: germline.

ARUP Laboratories, Molecular Genetics and Genomics, ARUP Laboratories
Classification: Likely benign for MOGS-congenital disorder of glycosylation. Last evaluated: 2024-08-19. Review status: criteria provided, single submitter. Criteria: ARUP Molecular Germline Variant Investigation Process 2024. Collection method: clinical testing. Allele origin: germline.

Department of Pathology and Laboratory Medicine, Sinai Health System
Classification: Likely benign for MOGS-congenital disorder of glycosylation. Last evaluated: 2020-08-19. Review status: criteria provided, single submitter. Criteria: ACMG Guidelines, 2015. Collection method: research. Allele origin: germline.

GeneDx
Classification: Likely benign. Last evaluated: 2020-02-14. Review status: criteria provided, single submitter. Criteria: GeneDx Variant Classification Process June 2021. Collection method: clinical testing. Allele origin: germline. Affected: yes.
Comment: This variant is associated with the following publications: (PMID: 23806237)

PreventionGenetics, part of Exact Sciences
Classification: Benign for MOGS-related condition. Last evaluated: 2019-06-27. Review status: no assertion criteria provided. Collection method: clinical testing. Allele origin: germline. Not counted in ClinVar's aggregate classification.
Comment: This variant is classified as benign based on ACMG/AMP sequence variant interpretation guidelines (Richards et al. 2015 PMID: 25741868, with internal and published modifications).